The following is an entry in ClinVar:

NM_201384.3(PLEC):c.11496C>T (p.Asp3832=)

Gene: PLEC (plectin; minus strand). Cytogenetic location: 8q24.3.
Variant type: single nucleotide variant.
Coding change: c.11496C>T on transcript NM_201384.3 (MANE Select); coding-DNA position 11496, C replaced by T.
Protein change: p.Asp3832=; no amino-acid change (aspartic acid 3832 retained).
Molecular consequence: synonymous variant.
Genome position (GRCh38, 1-based): chr8:143,918,325, G>A on the plus strand (C>T on the coding strand, the complement: PLEC is on the minus strand). VCF-style: chr8-143918325-G-A. GRCh37 (hg19) VCF-style: chr8-144992493-G-A.
Other names: c.11577C>T, p.Asp3859= (NM_000445.5); c.11454C>T, p.Asp3818= (NM_201378.4); c.11430C>T, p.Asp3810= (NM_201379.3); c.11907C>T, p.Asp3969= (NM_201380.4); c.11400C>T, p.Asp3800= (NM_201381.3); c.11496C>T, p.Asp3832= (NM_201382.4); c.11508C>T, p.Asp3836= (NM_201383.3).
Identifiers: ClinVar variation 508548 (VCV000508548.1), dbSNP rs1406559017, ClinGen allele CA463528373.
Genomic context (GRCh38, chr8:143,918,325, plus strand): 5'-GTCGGTGGACGGGTCCACGTAGCTGCGCACCTCGCTGGGCTCTGACAGCTGGTCGTGCGT[G>A]TCCTTGTTGAGGTAGCCACGCTGGTAAGCCACCTCCAGGGGAAGGTGGAAGCCCAGGCGG-3'
Protein context (NP_958786.1, residues 3822-3842): VAYQRGYLNK[Asp3832=]THDQLSEPSE

ClinVar aggregate classification (germline): Likely benign (1 of 4 stars; one submission).

Allele frequency attached by ClinVar (database versions not stated): TOPMed below 0.00001 and 0.00001.

Submission:

GeneDx
Classification: Likely benign. Last evaluated: 2017-04-07. Review status: criteria provided, single submitter. Criteria: GeneDx Variant Classification (06012015). Collection method: clinical testing. Allele origin: germline. Affected: yes.
Comment: This variant is considered likely benign or benign based on one or more of the following criteria: it is a conservative change, it occurs at a poorly conserved position in the protein, it is predicted to be benign by multiple in silico algorithms, and/or has population frequency not consistent with disease.